The following is an entry in ClinVar:

ClinVar aggregate classification (germline): Likely benign. Review status: criteria provided, multiple submitters, no conflicts (2 of 4 stars). 8 submissions from 8 submitters: Likely benign (6). 2 of the submissions do not count toward it. Last evaluated 2026-06-11.

Conditions:
TSC1-related disorder. Also called: TSC1-related condition.
Hereditary cancer-predisposing syndrome. Also called: Neoplastic Syndromes, Hereditary; Tumor predisposition; Hereditary neoplastic syndrome; Hereditary Cancer Syndrome. Identifiers: Orphanet 140162, MedGen C0027672, MeSH D009386, MONDO:0015356.
Tuberous sclerosis syndrome (TSC). Also called: Tuberous Sclerosis Complex; Tuberous sclerosis. Identifiers: Orphanet 805, MedGen C0041341, MONDO:0001734.
Tuberous sclerosis 1 (TSC1). Identifiers: Orphanet 805, MedGen C1854465, MONDO:0008612, OMIM 191100.

Submissions (8):

Women's Health and Genetics/Laboratory Corporation of America, LabCorp
Classification: Likely benign. Last evaluated: 2026-06-11. Review status: criteria provided, single submitter. Criteria: LabCorp Variant Classification Summary - May 2015. Collection method: clinical testing. Allele origin: germline.
Comment: Variant summary: TSC1 c.3124_3129dupAGCAGC (p.Ser1042_Ser1043dup) results in an in-frame duplication that is predicted to duplicate two amino acids into the encoded protein. The variant allele was found at a frequency of 3.2e-05 in 1613344 control chromosomes. The observed variant frequency exceeds the estimated maximal expected allele frequency for disease-causing variants in TSC1. To our knowledge, no occurrence of c.3124_3129dupAGCAGC in individuals affected with TSC1-related conditions and no experimental evidence demonstrating its impact on protein function have been reported. ClinVar contains an entry for this variant (Variation ID: 49014). Based on the evidence outlined above, the variant was classified as likely benign.

Labcorp Genetics (formerly Invitae), Labcorp
Classification: Likely benign for Tuberous sclerosis 1. Last evaluated: 2026-01-07. Review status: criteria provided, single submitter. Criteria: Invitae Variant Classification Sherloc (09022015). Collection method: clinical testing. Allele origin: germline.

Color Diagnostics, LLC DBA Color Health
Classification: Likely benign for Tuberous sclerosis syndrome. Last evaluated: 2025-07-14. Review status: criteria provided, single submitter. Criteria: ACMG Guidelines, 2015. Collection method: clinical testing. Allele origin: germline.

Ambry Genetics
Classification: Likely benign for Hereditary cancer-predisposing syndrome. Last evaluated: 2022-08-15. Review status: criteria provided, single submitter. Criteria: Ambry Variant Classification Scheme 2023. Collection method: clinical testing. Allele origin: germline.

GeneDx
Classification: Likely benign. Last evaluated: 2022-03-10. Review status: criteria provided, single submitter. Criteria: GeneDx Variant Classification Process June 2021. Collection method: clinical testing. Allele origin: germline. Affected: yes.

Sema4
Classification: Likely benign for Hereditary cancer-predisposing syndrome. Last evaluated: 2021-03-13. Review status: criteria provided, single submitter. Criteria: Sema4 Curation Guidelines. Collection method: curation. Allele origin: germline.

PreventionGenetics, part of Exact Sciences
Classification: Likely benign for TSC1-related condition. Last evaluated: 2021-04-12. Review status: no assertion criteria provided. Collection method: clinical testing. Allele origin: germline. Not counted in ClinVar's aggregate classification.
Comment: This variant is classified as likely benign based on ACMG/AMP sequence variant interpretation guidelines (Richards et al. 2015 PMID: 25741868, with internal and published modifications).

Tuberous sclerosis database (TSC1)
No classification provided. Condition: TSC. Review status: no classification provided. Criteria: Tuberous Sclerosis Database Assertion Criteria 2015. Collection method: curation. Allele origin: germline. Affected: yes. Not counted in ClinVar's aggregate classification.

Literature cited by the submitters: PubMed 11013456 (cited by Ambry Genetics).

NM_000368.5(TSC1):c.3112AGC[8] (p.Ser1042_Ser1043dup)

Gene: TSC1 (TSC complex subunit 1; minus strand). Cytogenetic location: 9q34.13.
Variant type: Microsatellite.
Coding change: c.3112AGC[8] on transcript NM_000368.5 (MANE Select); eight copies in a row of the 3-base unit AGC starting at c.3112; the reference has six copies in a row; two copies, 6 bases duplicated; also written c.3124_3129dup.
Protein change: p.Ser1042_Ser1043dup.
Molecular consequence: inframe insertion.
Genome position (GRCh38, 1-based): chr9:132,896,601-132,896,606, GCTGCT duplicated on the plus strand (AGCAGC on the coding strand, the reverse complement: TSC1 is on the minus strand); duplicating any 6 consecutive bases within chr9:132,896,601-132,896,620 gives the same sequence; the position shown is the placement nearest the transcript's 3' end. VCF-style (leftmost placement, unchanged base first): chr9-132896600-C-CGCTGCT. GRCh37 (hg19) VCF-style: chr9-135771987-C-CGCTGCT.
Other names: c.3124_3129dupAGCAGC (NM_000368.4, NM_000368.5); c.3109AGC[8], p.Ser1041_Ser1042dup (NM_001162426.2); c.2959AGC[8], p.Ser991_Ser992dup (NM_001162427.2); c.2749AGC[8], p.Ser921_Ser922dup (NM_001362177.2); c.3124_3129dup6 (NM_000368.4); c.3124_3129dup (NM_000368.5).
Identifiers: ClinVar variation 49014 (VCV000049014.19), dbSNP rs2234980, ClinGen allele CA262329.